The following is an entry in ClinVar:

ClinVar aggregate classification (germline): Pathogenic (1 of 4 stars; one submission).

Submission:

Labcorp Genetics (formerly Invitae), Labcorp
Classification: Pathogenic. Last evaluated: 2025-05-25. Review status: criteria provided, single submitter. Criteria: Invitae Variant Classification Sherloc (09022015). Collection method: clinical testing. Allele origin: germline.
Comment: This sequence change is expected to alter the c-terminus of the TYMP protein (p.Leu415Profs*). While this is not anticipated to result in nonsense mediated decay, it is expected to disrupt the last 68 amino acid(s) of the TYMP protein and extend the protein by an uncertain number of additional amino acid residues. This variant is not present in population databases (gnomAD no frequency). This variant has not been reported in the literature in individuals affected with TYMP-related conditions. This variant disrupts a region of the TYMP protein in which other variant(s) (p.Ser471*) have been determined to be pathogenic (PMID: 17437622). This suggests that this is a clinically significant region of the protein, and that variants that disrupt it are likely to be disease-causing. For these reasons, this variant has been classified as Pathogenic.

Literature cited by the submitters: PubMed 17437622.

NM_001953.5(TYMP):c.1243dup (p.Leu415fs)

Genes: SCO2 (synthesis of cytochrome C oxidase 2; minus strand), TYMP (thymidine phosphorylase; minus strand), LOC130067862 (ATAC-STARR-seq lymphoblastoid silent region 13986; plus strand). Cytogenetic location: 22q13.33.
Variant type: Duplication.
Coding change: c.1243dup on transcript NM_001953.5 (MANE Select); coding-DNA position 1243, one base duplicated (C; older notation c.1243dupC).
Protein change: p.Leu415fs; shifts the reading frame from leucine 415.
Molecular consequence: frameshift variant. On other transcripts: 5 prime UTR variant (1), intron variant (1).
Genome position (GRCh38, 1-based): chr22:50,526,058, G duplicated on the plus strand (C on the coding strand, the reverse complement: TYMP is on the minus strand). VCF-style (leftmost placement, unchanged base first): chr22-50526057-A-AG. GRCh37 (hg19) VCF-style: chr22-50964486-A-AG.
Other names: c.-71dup (NM_001169110.1); c.-14+188dup (NM_001169109.2); c.1243dup, p.Leu415fs (NM_001113756.3, NM_001257988.1, NM_001113755.3); c.1258dup, p.Leu420fs (NM_001257989.1); short protein forms L415fs, L420fs.
Identifiers: ClinVar variation 4804677 (VCV004804677.1).